The following is an entry in ClinVar:

NM_003743.5(NCOA1):c.2942C>G (p.Pro981Arg)

Gene: NCOA1 (nuclear receptor coactivator 1; plus strand). Cytogenetic location: 2p23.3.
Variant type: single nucleotide variant.
Coding change: c.2942C>G on transcript NM_003743.5 (MANE Select); coding-DNA position 2942, C replaced by G.
Protein change: p.Pro981Arg; replaces proline 981 with arginine.
Molecular consequence: missense variant.
Genome position (GRCh38, 1-based): chr2:24,729,556, C>G. VCF-style: chr2-24729556-C-G. GRCh37 (hg19) VCF-style: chr2-24952425-C-G.
Other names: c.2942C>G, p.Pro981Arg (NM_001362950.1, NM_001362952.1, NM_001362954.1 and 3 more transcripts); short protein forms P981R.
Identifiers: ClinVar variation 4992269 (VCV004992269.1).

ClinVar aggregate classification (germline): Uncertain significance (1 of 4 stars; one submission).

Conditions:
NCOA1-related disorder. Also called: NCOA1-related condition.

gnomAD v4.1: 6 of 1,614,174 alleles (0.00037%); highest among the groups gnomAD compares: Non-Finnish European, 0.00051%; no homozygotes.

Submission:

PreventionGenetics, part of Exact Sciences
Classification: Uncertain significance for NCOA1-related condition. Last evaluated: 2026-06-25. Review status: criteria provided, single submitter. Criteria: ACMG Guidelines, 2015. Collection method: clinical testing. Allele origin: germline.
Comment: The NCOA1 c.2942C>G variant is predicted to result in the amino acid substitution p.Pro981Arg. To our knowledge, this variant has not been reported in the literature or in a large population database (gnomAD), indicating this variant is rare. At this time, the clinical significance of this variant is uncertain due to the absence of conclusive functional and genetic evidence.